The following is an entry in ClinVar:

ClinVar aggregate classification (germline): Pathogenic. Review status: criteria provided, multiple submitters, no conflicts (2 of 4 stars). 7 submissions from 7 submitters: Pathogenic (6). 1 of the submissions does not count toward it. Last evaluated 2026-01-17.

Conditions:
Van der Woude syndrome. Identifiers: Orphanet 888, MedGen C0175697, MONDO:0019508.
Popliteal pterygium syndrome (PPS). Identifiers: Orphanet 294963, MedGen C0265259, MONDO:0017435.
Orofacial cleft 6, susceptibility to (OFC6). Also called: CLEFT LIP WITH OR WITHOUT CLEFT PALATE, NONSYNDROMIC, 6. Identifiers: MedGen C1837213, MONDO:0012141, OMIM 608864.
IRF6-related condition. Also called: IRF6-Related Disorders; IRF6-related disorder. Identifiers: MedGen CN378148, MONDO:1040010.
Van der Woude syndrome 1. Also called: van der Woude Syndrome (VWS); CLEFT LIP AND/OR PALATE WITH MUCOUS CYSTS OF LOWER LIP. Identifiers: MedGen C4551864, MONDO:0007333, OMIM 119300.

Allele frequency attached by ClinVar (database versions not stated): gnomAD exomes below 0.00001.
gnomAD v4.1: 2 of 1,614,114 alleles (0.00012%); highest among the groups gnomAD compares: South Asian, 0.0011%; no homozygotes.

Submissions (7):

Dasa
Classification: Pathogenic. Last evaluated: 2026-01-17. Review status: criteria provided, single submitter. Criteria: DASA Assertion Criteria. Collection method: clinical testing. Allele origin: germline.
Comment: NM_006147.4(IRF6):c.1234C>T (p.Arg412*) introduces a premature termination codon predicted to result in loss of normal protein function. Loss-of-function is an established mechanism of disease for this gene. Segregation evidence has been reported in affected families. This variant has been recurrently observed in individuals with related phenotype (PMID: 36901693; PMID: 29115498). The variant is present at low frequency in population datasets. Based on the available data, this variant is classified as pathogenic.

Genetics Laboratory, Great Ormond Street Hospital NHS Foundation Trust, North Thames Genomic Laboratory Hub
Classification: Pathogenic for Van der Woude syndrome. Last evaluated: 2025-12-15. Review status: criteria provided, single submitter. Criteria: ACGS Best Practice Guidelines for Variant Classification in Rare Disease 2024 v1.2. Collection method: clinical testing. Allele origin: germline. Affected: yes.
Comment: PS4_moderate, PM2_moderate, PVS1_very-strong

Labcorp Genetics (formerly Invitae), Labcorp
Classification: Pathogenic for Orofacial cleft 6, susceptibility to; Van der Woude syndrome; Popliteal pterygium syndrome. Last evaluated: 2025-10-20. Review status: criteria provided, single submitter. Criteria: Invitae Variant Classification Sherloc (09022015). Collection method: clinical testing. Allele origin: germline.
Comment: This sequence change creates a premature translational stop signal (p.Arg412*) in the IRF6 gene. While this is not anticipated to result in nonsense mediated decay, it is expected to disrupt the last 56 amino acid(s) of the IRF6 protein. This variant is not present in population databases (gnomAD no frequency). This premature translational stop signal has been observed in individual(s) with Van der Woude syndrome and popliteal pterygium syndrome (PMID: 12219090, 19282774, 19623037, 21468557, 23154523). In at least one individual the variant was observed to be de novo. ClinVar contains an entry for this variant (Variation ID: 458682). Algorithms developed to predict the effect of variants on gene product structure and function are not available or were not evaluated for this variant. Experimental studies have shown that this premature translational stop signal affects IRF6 function (PMID: 25784454). For these reasons, this variant has been classified as Pathogenic.

Blueprint Genetics
Classification: Pathogenic for IRF6-related disorders. Last evaluated: 2024-09-11. Review status: criteria provided, single submitter. Criteria: ACMG Guidelines, 2015. Collection method: clinical testing. Allele origin: germline. Affected: yes. Observed: 3 variant alleles.

GeneDx
Classification: Pathogenic. Last evaluated: 2022-05-17. Review status: criteria provided, single submitter. Criteria: GeneDx Variant Classification Process June 2021. Collection method: clinical testing. Allele origin: germline. Affected: yes.
Comment: Published functional studies demonstrate R412X results in more rapid proteasome-dependent degradation and altered activity (Kwa et al., 2015); Nonsense variant in the C-terminus predicted to result in protein truncation, as the last 56 amino acids are lost, and other loss-of-function variants have been reported downstream in the Human Gene Mutation Database (HGMD); Not observed in large population cohorts (gnomAD); This variant is associated with the following publications: (PMID: 19623037, 23394314, 25784454, 25326635, 23154523, 12219090, 29115498, 19282774)

Baylor Genetics
Classification: Pathogenic for Van der Woude syndrome 1. Last evaluated: 2017-09-01. Review status: criteria provided, single submitter. Criteria: ACMG Guidelines, 2015. Collection method: clinical testing. Allele origin: germline. Inheritance: Autosomal dominant inheritance. Affected: yes.

Faculty of Pharmacy, University of Ljubljana
Classification: Pathogenic for Van der Woude syndrome. Review status: no assertion criteria provided. Collection method: research. Allele origin: germline. Inheritance: Autosomal dominant inheritance. Affected: yes. Observed: 4 variant alleles, 4 heterozygotes. Clinical features observed: unilateral cleft lip and palate, bilateral cleft lip and palate, lip pits, soft cleft palate. Not counted in ClinVar's aggregate classification.

Literature cited by the submitters: PubMed 36901693 (cited by Dasa and Faculty of Pharmacy, University of Ljubljana); PubMed 29115498 (cited by Dasa); PubMed 12219090 (cited by Labcorp Genetics (formerly Invitae), Labcorp and Baylor Genetics); PubMed 19282774 (cited by Labcorp Genetics (formerly Invitae), Labcorp); PubMed 19623037 (cited by Labcorp Genetics (formerly Invitae), Labcorp and Baylor Genetics); PubMed 21468557 (cited by Labcorp Genetics (formerly Invitae), Labcorp); PubMed 23154523 (cited by Labcorp Genetics (formerly Invitae), Labcorp); PubMed 25784454 (cited by Labcorp Genetics (formerly Invitae), Labcorp); PubMed 25326635 (cited by Baylor Genetics).

NM_006147.4(IRF6):c.1234C>T (p.Arg412Ter)

Gene: IRF6 (interferon regulatory factor 6; minus strand). Cytogenetic location: 1q32.2.
Variant type: single nucleotide variant.
Coding change: c.1234C>T on transcript NM_006147.4 (MANE Select); coding-DNA position 1234, C replaced by T.
Protein change: p.Arg412Ter; replaces arginine 412 with a stop codon.
Molecular consequence: nonsense.
Genome position (GRCh38, 1-based): chr1:209,788,590, G>A on the plus strand (C>T on the coding strand, the complement: IRF6 is on the minus strand). VCF-style: chr1-209788590-G-A. GRCh37 (hg19) VCF-style: chr1-209961935-G-A.
Other names: c.949C>T, p.Arg317Ter (NM_001206696.2); short protein forms R412*, R317*.
Identifiers: ClinVar variation 458682 (VCV000458682.20), dbSNP rs1553247595, ClinGen allele CA344573331.
Genomic context (GRCh38, chr1:209,788,590, plus strand): 5'-TGTTATCCTTGATGTCTGGGGTTGAGATCTGCAGGCGGACACTGCCACTATCAAAGGATC[G>A]TGTGAAATCACCAGAAAACATCTCGTAGATCATCCGAGCCACTACTGGAATGACCTGTTC-3'